The following is an entry in ClinVar:

NM_206937.2(LIG4):c.106dup (p.Ile36fs)

Gene: LIG4 (DNA ligase 4; minus strand). Cytogenetic location: 13q33.3.
Variant type: Duplication.
Coding change: c.106dup on transcript NM_206937.2 (MANE Select); coding-DNA position 106, one base duplicated (A; older notation c.106dupA).
Protein change: p.Ile36fs; shifts the reading frame from isoleucine 36.
Molecular consequence: frameshift variant. On other transcripts: 5 prime UTR variant (1).
Genome position (GRCh38, 1-based): chr13:108,211,163, T duplicated on the plus strand (A on the coding strand, the reverse complement: LIG4 is on the minus strand); the first of 6 consecutive T bases (chr13:108,211,163-108,211,168); duplicating any one gives the same sequence. VCF-style (leftmost placement, unchanged base first): chr13-108211162-A-AT. GRCh37 (hg19) VCF-style: chr13-108863510-A-AT.
Other names: c.106dup, p.Ile36fs (NM_001098268.2, NM_001352598.2, NM_001352599.2 and 6 more transcripts); c.-96dup (NM_001330595.2); c.142dup, p.Ile48fs (NM_001352604.2); short protein forms I36fs, I48fs.
Identifiers: ClinVar variation 2732222 (VCV002732222.3), dbSNP rs1357639894, ClinGen allele CA612360461.

ClinVar aggregate classification (germline): Pathogenic (1 of 4 stars; one submission).

Conditions:
DNA ligase IV deficiency. Identifiers: Orphanet 99812, MedGen C1847827, MONDO:0011686, OMIM 606593.

Submission:

Labcorp Genetics (formerly Invitae), Labcorp
Classification: Pathogenic for DNA ligase IV deficiency. Last evaluated: 2023-10-04. Review status: criteria provided, single submitter. Criteria: Invitae Variant Classification Sherloc (09022015). Collection method: clinical testing. Allele origin: germline.
Comment: This sequence change creates a premature translational stop signal (p.Ile36Asnfs*16) in the LIG4 gene. While this is not anticipated to result in nonsense mediated decay, it is expected to disrupt the last 876 amino acid(s) of the LIG4 protein. This variant is present in population databases (no rsID available, gnomAD 0.01%). This variant has not been reported in the literature in individuals affected with LIG4-related conditions. This variant disrupts a region of the LIG4 protein in which other variant(s) (p.Arg814*) have been determined to be pathogenic (PMID: 15333585, 24123394, 24892279, 25239263, 27063650, 27612988). This suggests that this is a clinically significant region of the protein, and that variants that disrupt it are likely to be disease-causing. For these reasons, this variant has been classified as Pathogenic.

Literature cited by the submitters: PubMed 15333585; PubMed 24123394; PubMed 24892279; PubMed 25239263; PubMed 27063650; PubMed 27612988.